The following is an entry in ClinVar:

ClinVar aggregate classification (germline): Pathogenic (1 of 4 stars; one submission).

Conditions:
Primary ciliary dyskinesia 3. Identifiers: Orphanet 244, MedGen C1837618, MONDO:0012085, OMIM 608644.

Submission:

Myriad Genetics, Inc.
Classification: Pathogenic for Primary ciliary dyskinesia 3. Last evaluated: 2024-05-14. Review status: criteria provided, single submitter. Criteria: Myriad Autosomal Dominant, Autosomal Recessive and X-Linked Classification Criteria (2023). Collection method: clinical testing. Allele origin: unknown.
Comment: NM_001369.2(DNAH5):c.12110_12111ins7(E4038Sfs*5) is expected to be pathogenic in the context of primary ciliary dyskinesia, DNAH5-related. This variant is predicted to lead to an abnormal or absent protein product due to the creation of a premature termination codon in DNAH5, a gene where loss-of-function variants are known to be pathogenic. Please note: this variant was assessed in the context of healthy population screening.

NM_001369.3(DNAH5):c.12110_12111insATCTGTG (p.Glu4038fs)

Gene: DNAH5 (dynein axonemal heavy chain 5; minus strand). Cytogenetic location: 5p15.2.
Variant type: Insertion.
Coding change: c.12110_12111insATCTGTG on transcript NM_001369.3 (MANE Select); coding-DNA positions 12110 to 12111, ATCTGTG inserted.
Protein change: p.Glu4038fs; shifts the reading frame from glutamic acid 4038.
Molecular consequence: frameshift variant.
Genome position: GRCh38 VCF-style: chr5-13721168-C-CCACAGAT. GRCh37 (hg19) VCF-style: chr5-13721277-C-CCACAGAT.
Other names: short protein forms E4038fs.
Identifiers: ClinVar variation 5010792 (VCV005010792.1).